The following is an entry in ClinVar:

ClinVar aggregate classification (germline): Likely pathogenic (1 of 4 stars; one submission).

Conditions:
Glycine encephalopathy. Also called: Nonketotic hyperglycinemia; Non-ketotic hyperglycinemia. Identifiers: Orphanet 407, MedGen C0751748, MONDO:0011612, HP:0008288.

Submission:

Labcorp Genetics (formerly Invitae), Labcorp
Classification: Likely pathogenic for Glycine encephalopathy. Last evaluated: 2023-06-07. Review status: criteria provided, single submitter. Criteria: Invitae Variant Classification Sherloc (09022015). Collection method: clinical testing. Allele origin: germline.
Comment: In summary, the currently available evidence indicates that the variant is pathogenic, but additional data are needed to prove that conclusively. Therefore, this variant has been classified as Likely Pathogenic. Algorithms developed to predict the effect of sequence changes on RNA splicing suggest that this variant may disrupt the consensus splice site. This variant has been observed in individual(s) with glycine encephalopathy (Invitae). This variant is not present in population databases (gnomAD no frequency). This variant results in the deletion of part of exon 7 (c.1057_1058+13del) of the GLDC gene. It is expected to disrupt RNA splicing. Variants that disrupt the donor or acceptor splice site typically lead to a loss of protein function (PMID: 16199547), and loss-of-function variants in GLDC are known to be pathogenic (PMID: 16601880).

Literature cited by the submitters: PubMed 16199547; PubMed 16601880.

NM_000170.3(GLDC):c.1057_1058+13del

Gene: GLDC (glycine decarboxylase; minus strand). Cytogenetic location: 9p24.1.
Variant type: Deletion.
Coding change: c.1057_1058+13del on transcript NM_000170.3 (MANE Select); coding-DNA position 1057 through 13 bases into the intron after coding-DNA position 1058, 15 bases deleted (AGGTAAAGGGGCTCA).
Molecular consequence: splice donor variant.
Genome position (GRCh38, 1-based): chr9:6,604,575-6,604,589, TGAGCCCCTTTACCT deleted on the plus strand (AGGTAAAGGGGCTCA on the coding strand, the reverse complement: GLDC is on the minus strand); deleting any 15 consecutive bases within chr9:6,604,575-6,604,591 gives the same sequence; the c. name uses the placement nearest the transcript's 3' end. VCF-style (leftmost placement, unchanged base first): chr9-6604574-ATGAGCCCCTTTACCT-A. GRCh37 (hg19) VCF-style: chr9-6604574-ATGAGCCCCTTTACCT-A.
Identifiers: ClinVar variation 2759724 (VCV002759724.3), dbSNP rs2489102759, ClinGen allele CA2697550307.
Genomic context (GRCh38, chr9:6,604,574, plus strand): 5'-ATCAACATTTGTGATCAGAAGAAATCAGGGAAATCATAATCACAATAAAAGTAGAGAAAC[ATGAGCCCCTTTACCT>A]TGTTACCCCCACCATTCTTCCAGGCATCATTCTCACCAAGCTTTCTCGGACAGCAAAAAA-3'